The following is an entry in ClinVar:

NM_000540.3(RYR1):c.14789del (p.Leu4930fs)

Gene: RYR1 (ryanodine receptor 1; plus strand). Cytogenetic location: 19q13.2.
Variant type: Deletion.
Coding change: c.14789del on transcript NM_000540.3 (MANE Select); coding-DNA position 14789, one base deleted (T; older notation c.14789delT).
Protein change: p.Leu4930fs; shifts the reading frame from leucine 4930.
Molecular consequence: frameshift variant.
Genome position (GRCh38, 1-based): chr19:38,585,085, T deleted; the last of 2 consecutive T bases (chr19:38,585,084-38,585,085); deleting either gives the same sequence. VCF-style (leftmost placement, unchanged base first): chr19-38585083-GT-G. GRCh37 (hg19) VCF-style: chr19-39075723-GT-G.
Other names: c.14774del, p.Leu4925fs (NM_001042723.2); short protein forms L4930fs, L4925fs.
Identifiers: ClinVar variation 2981454 (VCV002981454.3), dbSNP rs780299183, ClinGen allele CA061600.

ClinVar aggregate classification (germline): Pathogenic (1 of 4 stars; one submission).

Conditions:
RYR1-related disorder. Also called: RYR1-related condition; RYR1-related disorders. Identifiers: MedGen CN239331.

Submission:

Labcorp Genetics (formerly Invitae), Labcorp
Classification: Pathogenic for RYR1-related disorder. Last evaluated: 2023-08-31. Review status: criteria provided, single submitter. Criteria: Invitae Variant Classification Sherloc (09022015). Collection method: clinical testing. Allele origin: germline.
Comment: For these reasons, this variant has been classified as Pathogenic. This variant has not been reported in the literature in individuals affected with RYR1-related conditions. This variant is present in population databases (rs780299183, gnomAD 0.0009%). This sequence change creates a premature translational stop signal (p.Leu4930Trpfs*7) in the RYR1 gene. It is expected to result in an absent or disrupted protein product. Loss-of-function variants in RYR1 are known to be pathogenic (PMID: 23919265, 25960145, 28818389, 30611313).

Literature cited by the submitters: PubMed 23919265; PubMed 25960145; PubMed 28818389; PubMed 30611313.